The following is an entry in ClinVar:

NM_004525.3(LRP2):c.5781C>G (p.Asp1927Glu)

Gene: LRP2 (LDL receptor related protein 2; minus strand). Cytogenetic location: 2q31.1.
Variant type: single nucleotide variant.
Coding change: c.5781C>G on transcript NM_004525.3 (MANE Select); coding-DNA position 5781, C replaced by G.
Protein change: p.Asp1927Glu; replaces aspartic acid 1927 with glutamic acid.
Molecular consequence: missense variant.
Genome position (GRCh38, 1-based): chr2:169,216,298, G>C on the plus strand (C>G on the coding strand, the complement: LRP2 is on the minus strand). VCF-style: chr2-169216298-G-C. GRCh37 (hg19) VCF-style: chr2-170072808-G-C.
Other names: short protein forms D1927E.
Identifiers: ClinVar variation 3666121 (VCV003666121.2).

ClinVar aggregate classification (germline): Uncertain significance (1 of 4 stars; one submission).

gnomAD v4.1: 23 of 1,613,492 alleles (0.0014%); highest among the groups gnomAD compares: Non-Finnish European, 0.0019%; no homozygotes.

Submission:

Labcorp Genetics (formerly Invitae), Labcorp
Classification: Uncertain significance. Last evaluated: 2024-07-21. Review status: criteria provided, single submitter. Criteria: Invitae Variant Classification Sherloc (09022015). Collection method: clinical testing. Allele origin: germline.
Comment: This sequence change replaces aspartic acid, which is acidic and polar, with glutamic acid, which is acidic and polar, at codon 1927 of the LRP2 protein (p.Asp1927Glu). This variant is present in population databases (rs369463419, gnomAD 0.004%). This variant has not been reported in the literature in individuals affected with LRP2-related conditions. Advanced modeling of protein sequence and biophysical properties (such as structural, functional, and spatial information, amino acid conservation, physicochemical variation, residue mobility, and thermodynamic stability) performed at Invitae indicates that this missense variant is expected to disrupt LRP2 protein function with a positive predictive value of 95%. In summary, the available evidence is currently insufficient to determine the role of this variant in disease. Therefore, it has been classified as a Variant of Uncertain Significance.